The following is an entry in ClinVar:

NM_000760.4(CSF3R):c.2041-46G>A

Gene: CSF3R (colony stimulating factor 3 receptor; minus strand). Cytogenetic location: 1p34.3.
Variant type: single nucleotide variant.
Coding change: c.2041-46G>A on transcript NM_000760.4 (MANE Select); 46 bases into the intron before coding-DNA position 2041, G replaced by A.
Molecular consequence: intron variant. On other transcripts: synonymous variant (1).
Genome position (GRCh38, 1-based): chr1:36,466,873, C>T on the plus strand (G>A on the coding strand, the complement: CSF3R is on the minus strand). VCF-style: chr1-36466873-C-T. GRCh37 (hg19) VCF-style: chr1-36932474-C-T.
Other names: c.2076G>A, p.Gln692= (NM_156039.3); c.2041-46G>A (NM_172313.3).
Identifiers: ClinVar variation 3037833 (VCV003037833.4), dbSNP rs146209034, ClinGen allele CA768970.
Genomic context (GRCh38, chr1:36,466,873, plus strand): 5'-CAGCTGGAAGGCATCCTGCACACAAGGATGTGGGGTGAGAGCACGGCTCATTTCAGATGT[C>T]TGCCCCAGCCACTGTCCCTGTCTGGGTCCGGGCAGCTGTGGGGACATTCAACTGTTGTTA-3'

ClinVar aggregate classification (germline): Likely benign. Review status: criteria provided, multiple submitters, no conflicts (2 of 4 stars). 3 submissions from 3 submitters: Likely benign (2). 1 of the submissions does not count toward it. Last evaluated 2026-04-15.

Conditions:
CSF3R-related disorder. Also called: CSF3R-related condition.

Allele frequency attached by ClinVar (database versions not stated): ExAC 0.00034; ESP Exome Variant Server 0.00054; gnomAD 0.00070; gnomAD exomes 0.00079; TOPMed 0.00113.
gnomAD v4.1: 1,303 of 1,614,034 alleles (0.081%); highest among the groups gnomAD compares: Admixed American, 0.13%; 5 homozygotes.

Submissions (3):

Women's Health and Genetics/Laboratory Corporation of America, LabCorp
Classification: Likely benign. Last evaluated: 2026-04-15. Review status: criteria provided, single submitter. Criteria: LabCorp Variant Classification Summary - May 2015. Collection method: clinical testing. Allele origin: germline.

Blueprint Genetics
Classification: Likely benign. Last evaluated: 2024-11-19. Review status: criteria provided, single submitter. Criteria: ACMG Guidelines, 2015. Collection method: clinical testing. Allele origin: germline.

PreventionGenetics, part of Exact Sciences
Classification: Likely benign for CSF3R-related condition. Last evaluated: 2020-02-27. Review status: no assertion criteria provided. Collection method: clinical testing. Allele origin: germline. Not counted in ClinVar's aggregate classification.
Comment: This variant is classified as likely benign based on ACMG/AMP sequence variant interpretation guidelines (Richards et al. 2015 PMID: 25741868, with internal and published modifications).

Literature cited by the submitters: PubMed 23896413 (cited by Women's Health and Genetics/Laboratory Corporation of America, LabCorp); PubMed 28302714 (cited by Women's Health and Genetics/Laboratory Corporation of America, LabCorp); PubMed 24627528 (cited by Women's Health and Genetics/Laboratory Corporation of America, LabCorp); PubMed 23656643 (cited by Women's Health and Genetics/Laboratory Corporation of America, LabCorp); PubMed 23604229 (cited by Women's Health and Genetics/Laboratory Corporation of America, LabCorp); PubMed 27069254 (cited by Women's Health and Genetics/Laboratory Corporation of America, LabCorp).